The following is an entry in ClinVar:

NM_000026.4(ADSL):c.1096C>G (p.Pro366Ala)

Gene: ADSL (adenylosuccinate lyase; plus strand). Cytogenetic location: 22q13.1.
Variant type: single nucleotide variant.
Coding change: c.1096C>G on transcript NM_000026.4 (MANE Select); coding-DNA position 1096, C replaced by G.
Protein change: p.Pro366Ala; replaces proline 366 with alanine.
Molecular consequence: missense variant. On other transcripts: non-coding transcript variant (1).
Genome position (GRCh38, 1-based): chr22:40,363,066, C>G. VCF-style: chr22-40363066-C-G. GRCh37 (hg19) VCF-style: chr22-40759070-C-G.
Other names: c.1096C>G, p.Pro366Ala (NM_001123378.3, NM_001363840.3, NM_001410812.1 and 1 more transcripts); c.904C>G, p.Pro302Ala (NM_001317923.2); c.1051C>G, p.Pro351Ala (NM_001410814.1); short protein forms P351A, P302A, P366A.
Identifiers: ClinVar variation 2027970 (VCV002027970.4), dbSNP rs2518124897, ClinGen allele CA411646097.
Genomic context (GRCh38, chr22:40,363,066, plus strand): 5'-CTTACCGCAGATACTATATTGAATACGCTGCAGAACATTTCTGAAGGATTGGTCGTGTAC[C>G]CCAAAGTAAGAAGCCTCAATTCAAAAGTAAAGTACTAGGGAGGGGTTAGAATGTGGGAGG-3'
Protein context (NP_000017.1, residues 356-376): QNISEGLVVY[Pro366Ala]KVIERRIRQE

ClinVar aggregate classification (germline): Uncertain significance (1 of 4 stars; one submission).

Conditions:
Adenylosuccinate lyase deficiency (ADSLD). Also called: ADSL DEFICIENCY. Identifiers: Orphanet 46, MedGen C0268126, MONDO:0007068, OMIM 103050.

Submission:

Labcorp Genetics (formerly Invitae), Labcorp
Classification: Uncertain significance for Adenylosuccinate lyase deficiency. Last evaluated: 2024-04-05. Review status: criteria provided, single submitter. Criteria: Invitae Variant Classification Sherloc (09022015). Collection method: clinical testing. Allele origin: germline.
Comment: This sequence change replaces proline, which is neutral and non-polar, with alanine, which is neutral and non-polar, at codon 366 of the ADSL protein (p.Pro366Ala). This variant is not present in population databases (gnomAD no frequency). This variant has not been reported in the literature in individuals affected with ADSL-related conditions. ClinVar contains an entry for this variant (Variation ID: 2027970). Advanced modeling of protein sequence and biophysical properties (such as structural, functional, and spatial information, amino acid conservation, physicochemical variation, residue mobility, and thermodynamic stability) performed at Invitae indicates that this missense variant is not expected to disrupt ADSL protein function with a negative predictive value of 80%. In summary, the available evidence is currently insufficient to determine the role of this variant in disease. Therefore, it has been classified as a Variant of Uncertain Significance.